The following is an entry in ClinVar:

NM_000064.4(C3):c.2584-1G>A

Gene: C3 (complement C3; minus strand). Cytogenetic location: 19p13.3.
Variant type: single nucleotide variant.
Coding change: c.2584-1G>A on transcript NM_000064.4 (MANE Select); the canonical splice acceptor site of the intron before coding-DNA position 2584, G replaced by A.
Molecular consequence: splice acceptor variant.
Genome position (GRCh38, 1-based): chr19:6,697,557, C>T on the plus strand (G>A on the coding strand, the complement: C3 is on the minus strand). VCF-style: chr19-6697557-C-T. GRCh37 (hg19) VCF-style: chr19-6697568-C-T.
Identifiers: ClinVar variation 4743063 (VCV004743063.1).

ClinVar aggregate classification (germline): Likely pathogenic (1 of 4 stars; one submission).

Submission:

Labcorp Genetics (formerly Invitae), Labcorp
Classification: Likely pathogenic. Last evaluated: 2025-06-08. Review status: criteria provided, single submitter. Criteria: Invitae Variant Classification Sherloc (09022015). Collection method: clinical testing. Allele origin: germline.
Comment: This sequence change affects an acceptor splice site in intron 20 of the C3 gene. It is expected to disrupt RNA splicing. Variants that disrupt the donor or acceptor splice site typically lead to a loss of protein function (PMID: 16199547), and loss-of-function variants in C3 are known to be pathogenic (PMID: 12462331, 14639503, 21501302). This variant is not present in population databases (gnomAD no frequency). This variant has not been reported in the literature in individuals affected with C3-related conditions. Algorithms developed to predict the effect of sequence changes on RNA splicing suggest that this variant may disrupt the consensus splice site. In summary, the currently available evidence indicates that the variant is pathogenic, but additional data are needed to prove that conclusively. Therefore, this variant has been classified as Likely Pathogenic.

Literature cited by the submitters: PubMed 16199547; PubMed 12462331; PubMed 14639503; PubMed 21501302.